The following is an entry in ClinVar:

NM_001958.5(EEF1A2):c.452G>A (p.Gly151Asp)

Genes: EEF1A2 (eukaryotic translation elongation factor 1 alpha 2; minus strand), LOC132090595 (Neanderthal introgressed variant-containing enhancer experimental_60987; plus strand). Cytogenetic location: 20q13.33.
Variant type: single nucleotide variant.
Coding change: c.452G>A on transcript NM_001958.5 (MANE Select); coding-DNA position 452, G replaced by A.
Protein change: p.Gly151Asp; replaces glycine 151 with aspartic acid.
Molecular consequence: missense variant.
Genome position (GRCh38, 1-based): chr20:63,494,974, C>T on the plus strand (G>A on the coding strand, the complement: EEF1A2 is on the minus strand). VCF-style: chr20-63494974-C-T. GRCh37 (hg19) VCF-style: chr20-62126327-C-T.
Other names: short protein forms G151D.
Identifiers: ClinVar variation 939782 (VCV000939782.10), dbSNP rs2082410204, ClinGen allele CA409649947.
Genomic context (GRCh38, chr20:63,494,974, plus strand): 5'-ACGATCTCGTCGTAGCGCTTCTCGCTGTAGGCCGGCTCTGTGGAGTCCATTTTGTTCACG[C>T]CCACGATGAGCTGCTTCACACCCAGCGTGTAGGCCAGCAGGGCATGCTCCCGCGTCTGCC-3'
Protein context (NP_001949.1, residues 141-161): YTLGVKQLIV[Gly151Asp]VNKMDSTEPA

ClinVar aggregate classification (germline): Uncertain significance (1 of 4 stars; one submission).

Conditions:
Developmental and epileptic encephalopathy, 33 (DEE33). Also called: Epileptic encephalopathy, early infantile, 33. Identifiers: Orphanet 442835, MedGen C4225337, MONDO:0014625, OMIM 616409.

Submission:

Labcorp Genetics (formerly Invitae), Labcorp
Classification: Uncertain significance for Developmental and epileptic encephalopathy, 33. Last evaluated: 2019-05-27. Review status: criteria provided, single submitter. Criteria: Invitae Variant Classification Sherloc (09022015). Collection method: clinical testing. Allele origin: germline.
Comment: This variant is not present in population databases (ExAC no frequency). This variant has not been reported in the literature in individuals with EEF1A2-related conditions. Algorithms developed to predict the effect of missense changes on protein structure and function are either unavailable or do not agree on the potential impact of this missense change (SIFT: "Deleterious"; PolyPhen-2: "Possibly Damaging"; Align-GVGD: "Class C15"). In summary, the available evidence is currently insufficient to determine the role of this variant in disease. Therefore, it has been classified as a Variant of Uncertain Significance. This sequence change replaces glycine with aspartic acid at codon 151 of the EEF1A2 protein (p.Gly151Asp). The glycine residue is highly conserved and there is a moderate physicochemical difference between glycine and aspartic acid.